The following is an entry in ClinVar:

Conditions:
Breast-ovarian cancer, familial, susceptibility to, 1 (BROVCA1). Also called: BRCA1 Hereditary Breast and Ovarian Cancer; OVARIAN CANCER, SUSCEPTIBILITY TO. Identifiers: Orphanet 145, MedGen C2676676, MONDO:0011450, OMIM 604370. Disease mechanism: loss of function.

Submission:

Brotman Baty Institute, University of Washington
No classification provided (evidence only). Condition: Breast-ovarian cancer, familial 1. Review status: no classification provided. Collection method: in vitro. Allele origin: not applicable. Functional consequence: functionally_normal.
ClinVar note: "not provided" was previously submitted as the classification for the variant. However, the classification appeared to be based only on an observation of functional data so it was converted to no classification on 2025-07-30.

NM_007294.4(BRCA1):c.5193+4A>T

Gene: BRCA1 (BRCA1 DNA repair associated; minus strand). Cytogenetic location: 17q21.31.
Variant type: single nucleotide variant.
Coding change: c.5193+4A>T on transcript NM_007294.4 (MANE Select); 4 bases into the intron after coding-DNA position 5193, A replaced by T.
Molecular consequence: intron variant.
Genome position (GRCh38, 1-based): chr17:43,063,329, T>A on the plus strand (A>T on the coding strand, the complement: BRCA1 is on the minus strand). VCF-style: chr17-43063329-T-A. GRCh37 (hg19) VCF-style: chr17-41215346-T-A.
Other names: c.1740+4A>T (NM_001408458.1, NM_001408461.1, NM_001408464.1 and 7 more transcripts); c.4302+4A>T (NM_001407967.1); c.4812+4A>T (NM_001407959.1); c.4926+4A>T (NM_001407931.1, NM_001407932.1, NM_001407928.1 and 4 more transcripts); c.5049+4A>T (NM_001407747.1, NM_001407745.1, NM_001407737.1 and 21 more transcripts); c.4809+4A>T (NM_001407962.1, NM_001407960.1); c.1380+4A>T (NM_001408512.1); c.1503+4A>T (NM_001408510.1); and 72 more.
Identifiers: ClinVar variation 865105 (VCV000865105.3), dbSNP rs2051853149, ClinGen allele CA916080037.